The following is an entry in ClinVar:

ClinVar aggregate classification (germline): Uncertain significance (1 of 4 stars; one submission).

gnomAD v4.1: 7 of 1,614,176 alleles (0.00043%); highest among the groups gnomAD compares: Non-Finnish European, 0.00059%; no homozygotes.

Submission:

Labcorp Genetics (formerly Invitae), Labcorp
Classification: Uncertain significance. Last evaluated: 2025-06-03. Review status: criteria provided, single submitter. Criteria: Invitae Variant Classification Sherloc (09022015). Collection method: clinical testing. Allele origin: germline.
Comment: This sequence change replaces lysine, which is basic and polar, with glutamic acid, which is acidic and polar, at codon 486 of the ROR1 protein (p.Lys486Glu). This variant is not present in population databases (gnomAD no frequency). This variant has not been reported in the literature in individuals affected with ROR1-related conditions. Invitae Evidence Modeling of protein sequence and biophysical properties (such as structural, functional, and spatial information, amino acid conservation, physicochemical variation, residue mobility, and thermodynamic stability) indicates that this missense variant is expected to disrupt ROR1 protein function with a positive predictive value of 80%. In summary, the available evidence is currently insufficient to determine the role of this variant in disease. Therefore, it has been classified as a Variant of Uncertain Significance.

NM_005012.4(ROR1):c.1456A>G (p.Lys486Glu)

Gene: ROR1 (receptor tyrosine kinase like orphan receptor 1; plus strand). Cytogenetic location: 1p31.3.
Variant type: single nucleotide variant.
Coding change: c.1456A>G on transcript NM_005012.4 (MANE Select); coding-DNA position 1456, A replaced by G.
Protein change: p.Lys486Glu; replaces lysine 486 with glutamic acid.
Molecular consequence: missense variant.
Genome position (GRCh38, 1-based): chr1:64,177,497, A>G. VCF-style: chr1-64177497-A-G. GRCh37 (hg19) VCF-style: chr1-64643180-A-G.
Other names: short protein forms K486E.
Identifiers: ClinVar variation 4742233 (VCV004742233.1).